The following is an entry in ClinVar:

ClinVar aggregate classification (germline): Likely pathogenic (1 of 4 stars; one submission).

Conditions:
Glycogen storage disease type III (GSD3). Also called: Cori disease; FORBES DISEASE. Identifiers: Orphanet 366, MedGen C0017922, MONDO:0009291, OMIM 232400.

Submission:

Labcorp Genetics (formerly Invitae), Labcorp
Classification: Likely pathogenic for Glycogen storage disease type III. Last evaluated: 2026-01-14. Review status: criteria provided, single submitter. Criteria: Invitae Variant Classification Sherloc (09022015). Collection method: clinical testing. Allele origin: germline.
Comment: This sequence change affects an acceptor splice site in intron 12 of the AGL gene. It is expected to disrupt RNA splicing. Variants that disrupt the donor or acceptor splice site typically lead to a loss of protein function (PMID: 16199547), and loss-of-function variants in AGL are known to be pathogenic (PMID: 19299494). This variant is not present in population databases (gnomAD no frequency). This variant has not been reported in the literature in individuals affected with AGL-related conditions. Algorithms developed to predict the effect of sequence changes on RNA splicing suggest that this variant may disrupt the consensus splice site. In summary, the currently available evidence indicates that the variant is pathogenic, but additional data are needed to prove that conclusively. Therefore, this variant has been classified as Likely Pathogenic.

Literature cited by the submitters: PubMed 16199547; PubMed 19299494.

NM_000642.3(AGL):c.1612-2A>C

Gene: AGL (amylo-alpha-1,6-glucosidase and 4-alpha-glucanotransferase; plus strand). Cytogenetic location: 1p21.2.
Variant type: single nucleotide variant.
Coding change: c.1612-2A>C on transcript NM_000642.3 (MANE Select); the canonical splice acceptor site of the intron before coding-DNA position 1612, A replaced by C.
Molecular consequence: splice acceptor variant.
Genome position (GRCh38, 1-based): chr1:99,879,921, A>C. VCF-style: chr1-99879921-A-C. GRCh37 (hg19) VCF-style: chr1-100345477-A-C.
Other names: c.1612-2A>C (NM_000643.3, NM_000644.3, NM_001425326.1 and 2 more transcripts); c.1564-2A>C (NM_000646.3); c.1411-2A>C (NM_001425327.1); c.1408-2A>C (NM_001425328.1, NM_001425329.1); c.1234-2A>C (NM_001425332.1).
Identifiers: ClinVar variation 4730019 (VCV004730019.1).